The following is an entry in ClinVar:

NM_133510.4(RAD51B):c.593A>C (p.Glu198Ala)

Gene: RAD51B (RAD51 paralog B; plus strand). Cytogenetic location: 14q24.1.
Variant type: single nucleotide variant.
Coding change: c.593A>C on transcript NM_133510.4 (MANE Select); coding-DNA position 593, A replaced by C.
Protein change: p.Glu198Ala; replaces glutamic acid 198 with alanine.
Molecular consequence: missense variant.
Genome position (GRCh38, 1-based): chr14:67,887,041, A>C. VCF-style: chr14-67887041-A-C. GRCh37 (hg19) VCF-style: chr14-68353758-A-C.
Other names: c.593A>C, p.Glu198Ala (NM_001321809.2, NM_001321810.2, NM_001321812.1 and 6 more transcripts); c.479A>C, p.Glu160Ala (NM_001321815.1); c.236A>C, p.Glu79Ala (NM_001321817.2); short protein forms E79A, E160A, E198A.
Identifiers: ClinVar variation 3786462 (VCV003786462.1).

ClinVar aggregate classification (germline): Uncertain significance (1 of 4 stars; one submission).

gnomAD v4.1: 4 of 1,519,298 alleles (0.00026%); highest among the groups gnomAD compares: Non-Finnish European, 0.00036%; no homozygotes.

Submission:

Ambry Genetics
Classification: Uncertain significance. Last evaluated: 2025-02-25. Review status: criteria provided, single submitter. Criteria: Ambry Variant Classification Scheme 2023. Collection method: clinical testing. Allele origin: germline.
Comment: The p.E198A variant (also known as c.593A>C), located in coding exon 6 of the RAD51B gene, results from an A to C substitution at nucleotide position 593. The glutamic acid at codon 198 is replaced by alanine, an amino acid with dissimilar properties. This amino acid position is conserved. In addition, this alteration is predicted to be tolerated by in silico analysis. Based on the available evidence, the clinical significance of this variant remains unclear.